The following is an entry in ClinVar:

NM_005343.4(HRAS):c.424_426del (p.Ile142del)

Genes: HRAS (HRas proto-oncogene, GTPase; minus strand), LRRC56 (leucine rich repeat containing 56; plus strand). Cytogenetic location: 11p15.5.
Variant type: Deletion.
Coding change: c.424_426del on transcript NM_005343.4 (MANE Select); coding-DNA positions 424 to 426, 3 bases deleted (ATC; older notation c.424_426delATC).
Protein change: p.Ile142del; deletes isoleucine 142.
Molecular consequence: inframe deletion.
Genome position (GRCh38, 1-based): chr11:533,477-533,479, GAT deleted on the plus strand (ATC on the coding strand, the reverse complement: HRAS is on the minus strand); deleting any 3 consecutive bases within chr11:533,477-533,480 gives the same sequence; the c. name uses the placement nearest the transcript's 3' end. VCF-style (leftmost placement, unchanged base first): chr11-533476-CGAT-C. GRCh37 (hg19) VCF-style: chr11-533476-CGAT-C.
Other names: c.424_426del, p.Ile142del (NM_001130442.3, NM_176795.5); c.105_107del, p.Ser36del (NM_001318054.2); short protein forms I142del, S36del.
Identifiers: ClinVar variation 2737254 (VCV002737254.3), dbSNP rs2539791458, ClinGen allele CA2697558804.

ClinVar aggregate classification (germline): Uncertain significance (1 of 4 stars; one submission).

Conditions:
Costello syndrome (CSTLO). Also called: FACIOCUTANEOSKELETAL SYNDROME; FCS SYNDROME; HRAS-Related Costello Syndrome. Identifiers: Orphanet 3071, MedGen C0587248, MONDO:0009026, OMIM 218040.

Submission:

Labcorp Genetics (formerly Invitae), Labcorp
Classification: Uncertain significance for Costello syndrome. Last evaluated: 2023-04-28. Review status: criteria provided, single submitter. Criteria: Invitae Variant Classification Sherloc (09022015). Collection method: clinical testing. Allele origin: germline.
Comment: In summary, the available evidence is currently insufficient to determine the role of this variant in disease. Therefore, it has been classified as a Variant of Uncertain Significance. Experimental studies and prediction algorithms are not available or were not evaluated, and the functional significance of this variant is currently unknown. This variant has not been reported in the literature in individuals affected with HRAS-related conditions. This variant is not present in population databases (gnomAD no frequency). This variant, c.424_426del, results in the deletion of 1 amino acid(s) of the HRAS protein (p.Ile142del), but otherwise preserves the integrity of the reading frame.